The following is an entry in ClinVar:

NM_002796.3(PSMB4):c.658G>T (p.Val220Leu)

Gene: PSMB4 (proteasome 20S subunit beta 4; plus strand). Cytogenetic location: 1q21.3.
Variant type: single nucleotide variant.
Coding change: c.658G>T on transcript NM_002796.3 (MANE Select); coding-DNA position 658, G replaced by T.
Protein change: p.Val220Leu; replaces valine 220 with leucine.
Molecular consequence: missense variant.
Genome position (GRCh38, 1-based): chr1:151,401,320, G>T. VCF-style: chr1-151401320-G-T. GRCh37 (hg19) VCF-style: chr1-151373796-G-T.
Other names: short protein forms V220L.
Identifiers: ClinVar variation 1467835 (VCV001467835.6), dbSNP rs2102123106, ClinGen allele CA341926890.

ClinVar aggregate classification (germline): Uncertain significance (1 of 4 stars; one submission).

Submission:

Labcorp Genetics (formerly Invitae), Labcorp
Classification: Uncertain significance. Last evaluated: 2025-05-16. Review status: criteria provided, single submitter. Criteria: Invitae Variant Classification Sherloc (09022015). Collection method: clinical testing. Allele origin: germline.
Comment: This sequence change replaces valine, which is neutral and non-polar, with leucine, which is neutral and non-polar, at codon 220 of the PSMB4 protein (p.Val220Leu). This variant is not present in population databases (gnomAD no frequency). This variant has not been reported in the literature in individuals affected with PSMB4-related conditions. ClinVar contains an entry for this variant (Variation ID: 1467835). An algorithm developed to predict the effect of missense changes on protein structure and function (PolyPhen-2) suggests that this variant is likely to be tolerated. In summary, the available evidence is currently insufficient to determine the role of this variant in disease. Therefore, it has been classified as a Variant of Uncertain Significance.